The following is an entry in ClinVar:

ClinVar aggregate classification (germline): Uncertain significance (1 of 4 stars; one submission).

Conditions:
Peripheral neuropathy, autosomal recessive, with or without impaired intellectual development. Identifiers: MedGen C4748283, MONDO:0029131, OMIM 618124.

Allele frequency attached by ClinVar (database versions not stated): ExAC 0.00001.
gnomAD v4.1: 14 of 1,614,006 alleles (0.00087%); highest among the groups gnomAD compares: South Asian, 0.0044%; no homozygotes.

Submission:

Baylor Genetics
Classification: Uncertain significance for Peripheral neuropathy, autosomal recessive, with or without impaired intellectual development. Last evaluated: 2020-09-17. Review status: criteria provided, single submitter. Criteria: ACMG Guidelines, 2015. Collection method: clinical testing. Allele origin: unknown. Affected: yes.
Comment: This variant was determined to be of uncertain significance according to ACMG Guidelines, 2015 [PMID:25741868].

NM_003906.5(MCM3AP):c.3302C>T (p.Ser1101Phe)

Gene: MCM3AP (minichromosome maintenance complex component 3 associated protein; minus strand). Cytogenetic location: 21q22.3.
Variant type: single nucleotide variant.
Coding change: c.3302C>T on transcript NM_003906.5 (MANE Select); coding-DNA position 3302, C replaced by T.
Protein change: p.Ser1101Phe; replaces serine 1101 with phenylalanine.
Molecular consequence: missense variant.
Genome position (GRCh38, 1-based): chr21:46,264,150, G>A on the plus strand (C>T on the coding strand, the complement: MCM3AP is on the minus strand). VCF-style: chr21-46264150-G-A. GRCh37 (hg19) VCF-style: chr21-47684064-G-A.
Other names: short protein forms S1101F.
Identifiers: ClinVar variation 1028172 (VCV001028172.1), dbSNP rs773931663, ClinGen allele CA10076549.
Genomic context (GRCh38, chr21:46,264,150, plus strand): 5'-AGGAGGGGAGCACGAGATGCCACTCACCCCAGGGCGGCAGCTGCGTAGGCAGCACCCGCA[G>A]AGCCAACTTCCTCACAGTCCCTCTGCAGGGCCTCCTGGATGAGCTCGTCCACCACCTGCG-3'
Protein context (NP_003897.2, residues 1091-1111): ALQRDCEEVG[Ser1101Phe]AGAAYAAAAL